The following is an entry in ClinVar:

NM_004621.6(TRPC6):c.424G>A (p.Ala142Thr)

Gene: TRPC6 (transient receptor potential cation channel subfamily C member 6; minus strand). Cytogenetic location: 11q22.1.
Variant type: single nucleotide variant.
Coding change: c.424G>A on transcript NM_004621.6 (MANE Select); coding-DNA position 424, G replaced by A.
Protein change: p.Ala142Thr; replaces alanine 142 with threonine.
Molecular consequence: missense variant.
Genome position (GRCh38, 1-based): chr11:101,504,545, C>T on the plus strand (G>A on the coding strand, the complement: TRPC6 is on the minus strand). VCF-style: chr11-101504545-C-T. GRCh37 (hg19) VCF-style: chr11-101375276-C-T.
Other names: short protein forms A142T.
Identifiers: ClinVar variation 3372282 (VCV003372282.1).

ClinVar aggregate classification (germline): Uncertain significance (1 of 4 stars; one submission).

Submission:

GeneDx
Classification: Uncertain significance. Last evaluated: 2024-04-11. Review status: criteria provided, single submitter. Criteria: GeneDx Variant Classification Process June 2021. Collection method: clinical testing. Allele origin: germline. Affected: yes.
Comment: Not observed at significant frequency in large population cohorts (gnomAD); In silico analysis indicates that this missense variant does not alter protein structure/function; Has not been previously published as pathogenic or benign to our knowledge